The following is an entry in ClinVar:

NM_001378609.3(OTOGL):c.4213T>C (p.Leu1405=)

Gene: OTOGL (otogelin like; plus strand). Cytogenetic location: 12q21.31.
Variant type: single nucleotide variant.
Coding change: c.4213T>C on transcript NM_001378609.3 (MANE Select); coding-DNA position 4213, T replaced by C.
Protein change: p.Leu1405=; no amino-acid change (leucine 1405 retained).
Molecular consequence: synonymous variant.
Genome position (GRCh38, 1-based): chr12:80,328,678, T>C. VCF-style: chr12-80328678-T-C. GRCh37 (hg19) VCF-style: chr12-80722458-T-C.
Other names: c.4078T>C, p.Leu1360= (NM_001368062.3); c.4213T>C, p.Leu1405= (NM_001378610.3, NM_173591.7).
Identifiers: ClinVar variation 226947 (VCV000226947.19), dbSNP rs114661503, ClinGen allele CA6701306.

ClinVar aggregate classification (germline): Benign/Likely benign. Review status: criteria provided, multiple submitters, no conflicts (2 of 4 stars). 6 submissions from 6 submitters: Benign (5); Likely benign (1). Last evaluated 2026-02-03.

Allele frequency attached by ClinVar (database versions not stated): ExAC 0.00439; ESP Exome Variant Server 0.00807; gnomAD 0.00914 and 0.00945; TOPMed 0.01062; 1000 Genomes Project 0.01278; 1000 Genomes Project 30x 0.01327; gnomAD exomes 0.00145 and 0.00393.
gnomAD v4.1: 3,665 of 1,602,674 alleles (0.23%); highest among the groups gnomAD compares: African/African-American, 2.7%; 34 homozygotes.

Submissions (6):

Labcorp Genetics (formerly Invitae), Labcorp
Classification: Benign. Last evaluated: 2026-02-03. Review status: criteria provided, single submitter. Criteria: Invitae Variant Classification Sherloc (09022015). Collection method: clinical testing. Allele origin: germline.

Blueprint Genetics
Classification: Likely benign. Last evaluated: 2024-11-27. Review status: criteria provided, single submitter. Criteria: ACMG Guidelines, 2015. Collection method: clinical testing. Allele origin: germline.

Athena Diagnostics
Classification: Benign. Last evaluated: 2019-10-28. Review status: criteria provided, single submitter. Criteria: Athena Diagnostics Criteria. Collection method: clinical testing. Allele origin: unknown.

GeneDx
Classification: Benign. Last evaluated: 2019-05-20. Review status: criteria provided, single submitter. Criteria: GeneDx Variant Classification Process June 2021. Collection method: clinical testing. Allele origin: germline. Affected: yes.

Laboratory for Molecular Medicine, Mass General Brigham Personalized Medicine
Classification: Benign. Last evaluated: 2014-11-24. Review status: criteria provided, single submitter. Criteria: LMM Criteria. Collection method: clinical testing. Allele origin: germline. Observed: 8 variant alleles.
Comment: Leu1396Leu in exon 35 of OTOGL: This variant is not expected to have clinical si gnificance because it does not alter an amino acid residue and is not located wi thin the splice consensus sequence. It has been identified in 2.3% (87/3710) of African American chromosomes from a broad population by the NHLBI Exome Sequenci ng Project (dbSNP rs114661503).

Breakthrough Genomics
Classification: Benign. Review status: criteria provided, single submitter. Criteria: ACMG Guidelines, 2015. Collection method: not provided. Allele origin: germline. Inheritance: Autosomal recessive inheritance. Affected: yes.